The following is an entry in ClinVar:

NM_005120.3(MED12):c.5589A>C (p.Leu1863Phe)

Gene: MED12 (mediator complex subunit 12; plus strand). Cytogenetic location: Xq13.1.
Variant type: single nucleotide variant.
Coding change: c.5589A>C on transcript NM_005120.3 (MANE Select); coding-DNA position 5589, A replaced by C.
Protein change: p.Leu1863Phe; replaces leucine 1863 with phenylalanine.
Molecular consequence: missense variant.
Genome position (GRCh38, 1-based): chrX:71,137,224, A>C. VCF-style: chrX-71137224-A-C. GRCh37 (hg19) VCF-style: chrX-70357074-A-C.
Other names: short protein forms L1863F.
Identifiers: ClinVar variation 2576902 (VCV002576902.2), dbSNP rs868861363, ClinGen allele CA330983650.
Genomic context (GRCh38, chrX:71,137,224, plus strand): 5'-GGTCAGCCCACTCTCCTTTTCAGGTGGCCCTCGTGTGGACCCATACCGTCCTGTGCGCTT[A>C]CCAATGCAGAAGCTGCCCACCCGACCAACTTACCCTGGAGTGCTGCCCACAACCATGACT-3'
Protein context (NP_005111.2, residues 1853-1873): PRVDPYRPVR[Leu1863Phe]PMQKLPTRPT

ClinVar aggregate classification (germline): Uncertain significance. Review status: criteria provided, multiple submitters, no conflicts (2 of 4 stars). 2 submissions from 2 submitters: Uncertain significance (2). Last evaluated 2023-02-19.

Submissions (2):

GeneDx
Classification: Uncertain significance. Last evaluated: 2023-02-19. Review status: criteria provided, single submitter. Criteria: GeneDx Variant Classification Process June 2021. Collection method: clinical testing. Allele origin: germline. Affected: yes.
Comment: Not observed at significant frequency in large population cohorts (gnomAD); In silico analysis supports that this missense variant does not alter protein structure/function; Has not been previously published as pathogenic or benign to our knowledge

Blueprint Genetics
Classification: Uncertain significance. Last evaluated: 2018-02-13. Review status: criteria provided, single submitter. Criteria: ACMG Guidelines, 2015. Collection method: clinical testing. Allele origin: germline.